The following is an entry in ClinVar:

ClinVar aggregate classification (germline): Uncertain significance. Review status: criteria provided, multiple submitters, no conflicts (2 of 4 stars). 2 submissions from 2 submitters: Uncertain significance (2). Last evaluated 2026-08-31.

Conditions:
Inborn genetic diseases. Identifiers: MedGen C0950123, MeSH D030342.

Allele frequency attached by ClinVar (database versions not stated): gnomAD 0.00003; TOPMed 0.00003.
gnomAD v4.1: 103 of 1,470,364 alleles (0.007%); highest among the groups gnomAD compares: Non-Finnish European, 0.0088%; no homozygotes.

Submissions (2):

Ambry Genetics
Classification: Uncertain significance for Inborn genetic diseases. Last evaluated: 2026-08-31. Review status: criteria provided, single submitter. Criteria: Ambry Variant Classification Scheme 2023. Collection method: clinical testing. Allele origin: germline.

Labcorp Genetics (formerly Invitae), Labcorp
Classification: Uncertain significance. Last evaluated: 2024-01-22. Review status: criteria provided, single submitter. Criteria: Invitae Variant Classification Sherloc (09022015). Collection method: clinical testing. Allele origin: germline.
Comment: This sequence change replaces leucine, which is neutral and non-polar, with phenylalanine, which is neutral and non-polar, at codon 48 of the CDK13 protein (p.Leu48Phe). This variant is not present in population databases (gnomAD no frequency). This variant has not been reported in the literature in individuals affected with CDK13-related conditions. Advanced modeling of protein sequence and biophysical properties (such as structural, functional, and spatial information, amino acid conservation, physicochemical variation, residue mobility, and thermodynamic stability) performed at Invitae indicates that this missense variant is not expected to disrupt CDK13 protein function with a negative predictive value of 95%. In summary, the available evidence is currently insufficient to determine the role of this variant in disease. Therefore, it has been classified as a Variant of Uncertain Significance.

NM_003718.5(CDK13):c.142C>T (p.Leu48Phe)

Gene: CDK13 (cyclin dependent kinase 13; plus strand). Cytogenetic location: 7p14.1.
Variant type: single nucleotide variant.
Coding change: c.142C>T on transcript NM_003718.5 (MANE Select); coding-DNA position 142, C replaced by T.
Protein change: p.Leu48Phe; replaces leucine 48 with phenylalanine.
Molecular consequence: missense variant.
Genome position (GRCh38, 1-based): chr7:39,950,783, C>T. VCF-style: chr7-39950783-C-T. GRCh37 (hg19) VCF-style: chr7-39990382-C-T.
Other names: c.142C>T, p.Leu48Phe (NM_031267.4); c.142C>T (NM_003718.4); short protein forms L48F.
Identifiers: ClinVar variation 2892994 (VCV002892994.4), dbSNP rs918459117, ClinGen allele CA157707113.